The following is an entry in ClinVar:

NM_000642.3(AGL):c.2638G>C (p.Ala880Pro)

Gene: AGL (amylo-alpha-1,6-glucosidase and 4-alpha-glucanotransferase; plus strand). Cytogenetic location: 1p21.2.
Variant type: single nucleotide variant.
Coding change: c.2638G>C on transcript NM_000642.3 (MANE Select); coding-DNA position 2638, G replaced by C.
Protein change: p.Ala880Pro; replaces alanine 880 with proline.
Molecular consequence: missense variant.
Genome position (GRCh38, 1-based): chr1:99,884,660, G>C. VCF-style: chr1-99884660-G-C. GRCh37 (hg19) VCF-style: chr1-100350216-G-C.
Other names: c.2638G>C, p.Ala880Pro (NM_000028.3, NM_000643.3, NM_000644.3 and 2 more transcripts); c.2590G>C, p.Ala864Pro (NM_000646.3); c.2437G>C, p.Ala813Pro (NM_001425327.1); c.2434G>C, p.Ala812Pro (NM_001425328.1); c.2260G>C, p.Ala754Pro (NM_001425332.1); short protein forms A864P, A880P, A754P, A812P, A813P.
Identifiers: ClinVar variation 2141983 (VCV002141983.3), dbSNP rs918772261, ClinGen allele CA27519578.

ClinVar aggregate classification (germline): Uncertain significance. Review status: criteria provided, multiple submitters, no conflicts (2 of 4 stars). 3 submissions from 3 submitters: Uncertain significance (3). Last evaluated 2023-04-11.

Conditions:
Glycogen storage disease type III (GSD3). Also called: Cori disease; FORBES DISEASE. Identifiers: Orphanet 366, MedGen C0017922, MONDO:0009291, OMIM 232400.

Allele frequency attached by ClinVar (database versions not stated): gnomAD exomes below 0.00001; gnomAD 0.00001; TOPMed 0.00001.

Submissions (3):

Genome-Nilou Lab
Classification: Uncertain significance for Glycogen storage disease type III. Last evaluated: 2023-04-11. Review status: criteria provided, single submitter. Criteria: ACMG Guidelines, 2015. Collection method: clinical testing. Allele origin: germline. Affected: no.

GeneDx
Classification: Uncertain significance. Last evaluated: 2022-10-20. Review status: criteria provided, single submitter. Criteria: GeneDx Variant Classification Process June 2021. Collection method: clinical testing. Allele origin: germline. Affected: yes.
Comment: Not observed at significant frequency in large population cohorts (gnomAD); In silico analysis supports that this missense variant does not alter protein structure/function; Has not been previously published as pathogenic or benign to our knowledge

Labcorp Genetics (formerly Invitae), Labcorp
Classification: Uncertain significance for Glycogen storage disease type III. Last evaluated: 2022-05-27. Review status: criteria provided, single submitter. Criteria: Invitae Variant Classification Sherloc (09022015). Collection method: clinical testing. Allele origin: germline.
Comment: This sequence change replaces alanine, which is neutral and non-polar, with proline, which is neutral and non-polar, at codon 880 of the AGL protein (p.Ala880Pro). This variant is present in population databases (no rsID available, gnomAD 0.0009%). This variant has not been reported in the literature in individuals affected with AGL-related conditions. Algorithms developed to predict the effect of missense changes on protein structure and function output the following: SIFT: "Tolerated"; PolyPhen-2: "Benign"; Align-GVGD: "Class C0". The proline amino acid residue is found in multiple mammalian species, which suggests that this missense change does not adversely affect protein function. In summary, the available evidence is currently insufficient to determine the role of this variant in disease. Therefore, it has been classified as a Variant of Uncertain Significance.